The following is an entry in ClinVar:

ClinVar aggregate classification (germline): Pathogenic/Likely pathogenic. Review status: criteria provided, multiple submitters, no conflicts (2 of 4 stars). 3 submissions from 3 submitters: Pathogenic (2); Likely pathogenic (1). Last evaluated 2024-09-10.

Conditions:
Autosomal recessive limb-girdle muscular dystrophy type 2B (LGMDR2). Also called: MUSCULAR DYSTROPHY, LIMB-GIRDLE, TYPE 3; MUSCULAR DYSTROPHY, LIMB-GIRDLE, AUTOSOMAL RECESSIVE 2; Limb-girdle muscular dystrophy, type 2B; Limb-Girdle Muscular Dystrophy Type 2B (LGMD2B). Identifiers: Orphanet 268, MedGen C1850889, MONDO:0009676, OMIM 253601.
Autosomal recessive limb-girdle muscular dystrophy. Identifiers: Orphanet 102015, MedGen C2931907, MONDO:0015152.
Neuromuscular disease caused by qualitative or quantitative defects of dysferlin. Also called: Qualitative or quantitative defects of dysferlin; Dysferlinopathy. Identifiers: Orphanet 207073, MedGen C2931687, MONDO:0016145.

Submissions (3):

Women's Health and Genetics/Laboratory Corporation of America, LabCorp
Classification: Pathogenic for Autosomal recessive limb-girdle muscular dystrophy. Last evaluated: 2024-09-10. Review status: criteria provided, single submitter. Criteria: LabCorp Variant Classification Summary - May 2015. Collection method: clinical testing. Allele origin: germline.
Comment: Variant summary: DYSF c.6049delG (p.Asp2017ThrfsX19) results in a premature termination codon, predicted to cause a truncation of the encoded protein or absence of the protein due to nonsense mediated decay, which are commonly known mechanisms for disease. The variant allele was found at a frequency of 8e-06 in 250790 control chromosomes. c.6049delG has been reported in the literature in an unknown zygosity in a cohort of individuals affected with muscular dystrophies (example, Escobar-Cedillo_2021). These report(s) do not provide unequivocal conclusions about association of the variant with Limb-Girdle Muscular Dystrophy, Autosomal Recessive. To our knowledge, no experimental evidence demonstrating an impact on protein function has been reported. The following publication has been ascertained in the context of this evaluation (PMID: 34628793). ClinVar contains an entry for this variant (Variation ID: 666025). Based on the evidence outlined above, the variant was classified as pathogenic.

Natera, Inc.
Classification: Likely pathogenic for Limb-girdle muscular dystrophy type 2B. Last evaluated: 2024-04-24. Review status: criteria provided, single submitter. Criteria: Natera Variant Classification Schema (03/2026). Collection method: clinical testing. Allele origin: germline.
Comment: The c.6049delG variant in DYSF is a frameshift variant predicted to shift the reading frame beginning at codon 2017 and leads to a stop codon 19 codons downstream. This variant is expected to result in nonsense mediated decay, truncation, or a dysfunctional protein product. This variant is rare in the general population with a frequency below the threshold expected for the associated phenotype(s). Given the available evidence, this variant is classified as Likely Pathogenic.

Labcorp Genetics (formerly Invitae), Labcorp
Classification: Pathogenic for Neuromuscular disease caused by qualitative or quantitative defects of dysferlin. Last evaluated: 2023-10-17. Review status: criteria provided, single submitter. Criteria: Invitae Variant Classification Sherloc (09022015). Collection method: clinical testing. Allele origin: germline.
Comment: This sequence change creates a premature translational stop signal (p.Asp2017Thrfs*19) in the DYSF gene. It is expected to result in an absent or disrupted protein product. Loss-of-function variants in DYSF are known to be pathogenic (PMID: 17698709, 20301480). This variant is present in population databases (no rsID available, gnomAD 0.006%). This variant has not been reported in the literature in individuals affected with DYSF-related conditions. ClinVar contains an entry for this variant (Variation ID: 666025). For these reasons, this variant has been classified as Pathogenic.

Literature cited by the submitters: PubMed 34628793 (cited by Women's Health and Genetics/Laboratory Corporation of America, LabCorp); PubMed 17698709 (cited by Labcorp Genetics (formerly Invitae), Labcorp); PubMed 20301480 (cited by Labcorp Genetics (formerly Invitae), Labcorp).

NM_001130987.2(DYSF):c.6166del (p.Asp2056fs)

Gene: DYSF (dysferlin; plus strand). Cytogenetic location: 2p13.2.
Variant type: Deletion.
Coding change: c.6166del on transcript NM_001130987.2 (MANE Select); coding-DNA position 6166, one base deleted (G; older notation c.6166delG).
Protein change: p.Asp2056fs; shifts the reading frame from aspartic acid 2056.
Molecular consequence: frameshift variant.
Genome position (GRCh38, 1-based): chr2:71,681,103, G deleted; the last of 2 consecutive G bases (chr2:71,681,102-71,681,103); deleting either gives the same sequence. VCF-style (leftmost placement, unchanged base first): chr2-71681101-AG-A. GRCh37 (hg19) VCF-style: chr2-71908231-AG-A.
Other names: c.6049delG (NM_003494.4); c.6052del, p.Asp2018fs (NM_001130455.2); c.6007del, p.Asp2003fs (NM_001130976.2); c.6070del, p.Asp2024fs (NM_001130977.2); c.6112del, p.Asp2038fs (NM_001130978.2); c.6142del, p.Asp2048fs (NM_001130979.2); c.6100del, p.Asp2034fs (NM_001130980.2); c.6163del, p.Asp2055fs (NM_001130981.2); and 6 more; short protein forms D2035fs, D2004fs, D2034fs, D2038fs, D2049fs, D2003fs, D2017fs, D2018fs.
Identifiers: ClinVar variation 666025 (VCV000666025.8), dbSNP rs1397263011, ClinGen allele CA533266199.